The following is an entry in ClinVar:

NM_001386298.1(CIC):c.5545C>T (p.Gln1849Ter)

Gene: CIC (capicua transcriptional repressor; plus strand). Cytogenetic location: 19q13.2.
Variant type: single nucleotide variant.
Coding change: c.5545C>T on transcript NM_001386298.1 (MANE Select); coding-DNA position 5545, C replaced by T.
Protein change: p.Gln1849Ter; replaces glutamine 1849 with a stop codon.
Molecular consequence: nonsense.
Genome position (GRCh38, 1-based): chr19:42,291,677, C>T. VCF-style: chr19-42291677-C-T. GRCh37 (hg19) VCF-style: chr19-42795829-C-T.
Other names: c.5545C>T, p.Gln1849Ter (NM_001304815.2, NM_001379480.1, NM_001379482.1); c.2818C>T, p.Gln940Ter (NM_001379484.1, NM_001379485.1, NM_015125.5); short protein forms Q1849*, Q940*.
Identifiers: ClinVar variation 1695702 (VCV001695702.2), dbSNP rs1211659861, ClinGen allele CA406112617.
Genomic context (GRCh38, chr19:42,291,677, plus strand): 5'-GGGAAGGTCCTAGTGCCTCTGGCCGCCCCTAGCATGTCAGTGCGGGGTGGAGGGGCCGGC[C>T]AGCCACTGCCACTGGTGAGCCCGCCCTTCTCAGTACCTGTGCAGAATGGTGCCCAGCCCC-3'

ClinVar aggregate classification (germline): Uncertain significance (1 of 4 stars; one submission).

Allele frequency attached by ClinVar (database versions not stated): gnomAD exomes below 0.00001.

Submission:

GeneDx
Classification: Uncertain significance. Last evaluated: 2022-01-11. Review status: criteria provided, single submitter. Criteria: GeneDx Variant Classification Process June 2021. Collection method: clinical testing. Allele origin: germline. Affected: yes.
Comment: Nonsense variant predicted to result in protein truncation or nonsense mediated decay in a gene for which loss-of-function is a known mechanism of disease; Has not been previously published as pathogenic or benign to our knowledge